The following is an entry in ClinVar:

ClinVar aggregate classification (germline): Uncertain significance (1 of 4 stars; one submission).

Submission:

Labcorp Genetics (formerly Invitae), Labcorp
Classification: Uncertain significance. Last evaluated: 2023-01-19. Review status: criteria provided, single submitter. Criteria: Invitae Variant Classification Sherloc (09022015). Collection method: clinical testing. Allele origin: germline.
Comment: In summary, the available evidence is currently insufficient to determine the role of this variant in disease. Therefore, it has been classified as a Variant of Uncertain Significance. This sequence change replaces leucine, which is neutral and non-polar, with isoleucine, which is neutral and non-polar, at codon 297 of the GNAS protein (p.Leu297Ile). This variant is not present in population databases (gnomAD no frequency). This variant has not been reported in the literature in individuals affected with GNAS-related conditions. Advanced modeling of protein sequence and biophysical properties (such as structural, functional, and spatial information, amino acid conservation, physicochemical variation, residue mobility, and thermodynamic stability) performed at Invitae indicates that this missense variant is expected to disrupt GNAS protein function.

NM_000516.7(GNAS):c.889C>A (p.Leu297Ile)

Gene: GNAS (GNAS complex locus; plus strand). Cytogenetic location: 20q13.32.
Variant type: single nucleotide variant.
Coding change: c.889C>A on transcript NM_000516.7 (MANE Select); coding-DNA position 889, C replaced by A.
Protein change: p.Leu297Ile; replaces leucine 297 with isoleucine.
Molecular consequence: missense variant. On other transcripts: 3 prime UTR variant (2).
Genome position (GRCh38, 1-based): chr20:58,910,000, C>A. VCF-style: chr20-58910000-C-A. GRCh37 (hg19) VCF-style: chr20-57485055-C-A.
Other names: c.892C>A, p.Leu298Ile (NM_001077488.5); c.844C>A, p.Leu282Ile (NM_001077489.4); c.*750C>A (NM_001077490.3); c.712C>A, p.Leu238Ile (NM_001309840.2, NM_001309861.2); c.793C>A, p.Leu265Ile (NM_001410912.1); c.2773C>A, p.Leu925Ile (NM_001410913.1); c.*795C>A (NM_016592.5); c.2818C>A, p.Leu940Ile (NM_080425.4); and 1 more; short protein forms L265I, L297I, L238I, L283I, L925I, L940I, L282I, L298I.
Identifiers: ClinVar variation 2830210 (VCV002830210.3), dbSNP rs2146291282, ClinGen allele CA409453087.
Genomic context (GRCh38, chr20:58,910,000, plus strand): 5'-CCTTCTTGTAGATGGCTGCGCACCATCTCTGTGATCCTGTTCCTCAACAAGCAAGATCTG[C>A]TCGCTGAGAAAGTCCTTGCTGGGAAATCGAAGATTGAGGACTACTTTCCAGAATTTGCTC-3'
Protein context (NP_000507.1, residues 287-307): VILFLNKQDL[Leu297Ile]AEKVLAGKSK